The following is an entry in ClinVar:

NM_004991.4(MECOM):c.3473A>G (p.Lys1158Arg)

Gene: MECOM (MDS1 and EVI1 complex locus; minus strand). Cytogenetic location: 3q26.2.
Variant type: single nucleotide variant.
Coding change: c.3473A>G on transcript NM_004991.4 (MANE Select); coding-DNA position 3473, A replaced by G.
Protein change: p.Lys1158Arg; replaces lysine 1158 with arginine.
Molecular consequence: missense variant.
Genome position (GRCh38, 1-based): chr3:169,089,112, T>C on the plus strand (A>G on the coding strand, the complement: MECOM is on the minus strand). VCF-style: chr3-169089112-T-C. GRCh37 (hg19) VCF-style: chr3-168806900-T-C.
Other names: c.3104A>G, p.Lys1035Arg (NM_001105077.4); c.2909A>G, p.Lys970Arg (NM_001105078.4, NM_001205194.2, NM_001366469.2 and 1 more transcripts); c.2885A>G, p.Lys962Arg (NM_001163999.2, NM_001366470.2); c.2882A>G, p.Lys961Arg (NM_001164000.2, NM_001366471.2, NM_001366472.2); c.3446A>G, p.Lys1149Arg (NM_001366466.2); c.2912A>G, p.Lys971Arg (NM_001366467.2, NM_001366468.2); c.2474A>G, p.Lys825Arg (NM_001366473.2); c.1910A>G, p.Lys637Arg (NM_001366474.2); short protein forms K1035R, K1149R, K1158R, K961R, K637R, K962R, K970R, K971R.
Identifiers: ClinVar variation 3124834 (VCV003124834.2), dbSNP rs2549146968, ClinGen allele CA355067154.

ClinVar aggregate classification (germline): Uncertain significance (1 of 4 stars; one submission).

Conditions:
Inborn genetic diseases. Identifiers: MedGen C0950123, MeSH D030342.

Allele frequency attached by ClinVar (database versions not stated): gnomAD exomes below 0.00001.
gnomAD v4.1: 1 of 1,610,216 alleles (0.000062%); highest among the groups gnomAD compares: Non-Finnish European, 0.000085%; no homozygotes.

Submission:

Ambry Genetics
Classification: Uncertain significance for Inborn genetic diseases. Last evaluated: 2025-04-29. Review status: criteria provided, single submitter. Criteria: Ambry Variant Classification Scheme 2023. Collection method: clinical testing. Allele origin: germline.
Comment: The p.K1158R variant (also known as c.3473A>G), located in coding exon 16 of the MECOM gene, results from an A to G substitution at nucleotide position 3473. The lysine at codon 1158 is replaced by arginine, an amino acid with highly similar properties. This amino acid position is conserved. In addition, this alteration is predicted to be tolerated by in silico analysis. Based on the available evidence, the clinical significance of this variant remains unclear.